The following is an entry in ClinVar:

ClinVar aggregate classification (germline): Uncertain significance (1 of 4 stars; one submission).

Submission:

Labcorp Genetics (formerly Invitae), Labcorp
Classification: Uncertain significance. Last evaluated: 2023-11-13. Review status: criteria provided, single submitter. Criteria: Invitae Variant Classification Sherloc (09022015). Collection method: clinical testing. Allele origin: germline.
Comment: This sequence change replaces glutamine, which is neutral and polar, with glutamic acid, which is acidic and polar, at codon 415 of the KIDINS220 protein (p.Gln415Glu). This variant is not present in population databases (gnomAD no frequency). This variant has not been reported in the literature in individuals affected with KIDINS220-related conditions. An algorithm developed to predict the effect of missense changes on protein structure and function (PolyPhen-2) suggests that this variant is likely to be disruptive. In summary, the available evidence is currently insufficient to determine the role of this variant in disease. Therefore, it has been classified as a Variant of Uncertain Significance.

NM_020738.4(KIDINS220):c.1243C>G (p.Gln415Glu)

Gene: KIDINS220 (kinase D interacting substrate 220; minus strand). Cytogenetic location: 2p25.1.
Variant type: single nucleotide variant.
Coding change: c.1243C>G on transcript NM_020738.4 (MANE Select); coding-DNA position 1243, C replaced by G.
Protein change: p.Gln415Glu; replaces glutamine 415 with glutamic acid.
Molecular consequence: missense variant. On other transcripts: non-coding transcript variant (2).
Genome position (GRCh38, 1-based): chr2:8,793,843, G>C on the plus strand (C>G on the coding strand, the complement: KIDINS220 is on the minus strand). VCF-style: chr2-8793843-G-C. GRCh37 (hg19) VCF-style: chr2-8933973-G-C.
Other names: c.1246C>G, p.Gln416Glu (NM_001348729.2, NM_001348731.2, NM_001348734.2 and 3 more transcripts); c.1243C>G, p.Gln415Glu (NM_001348732.2, NM_001348735.2, NM_001348738.2 and 3 more transcripts); c.1117C>G, p.Gln373Glu (NM_001348736.2); short protein forms Q373E, Q415E, Q416E.
Identifiers: ClinVar variation 2694102 (VCV002694102.3), dbSNP rs2528074922, ClinGen allele CA345769368.
Genomic context (GRCh38, chr2:8,793,843, plus strand): 5'-CAGTTAGGAGCAAAACTCAATACTTACTGGCTCCAAATATTTGAGTTAAAATACTCTTCT[G>C]ATGGCTACAGTCAATATTATAAGGAGTCTCGCCTGCTTTGTTGGGCCTATAAAGTAATCG-3'
Protein context (NP_065789.1, residues 405-425): ETPYNIDCSH[Gln415Glu]KSILTQIFGA